The following is an entry in ClinVar:

GRCh37/hg19 Yp11.2(chrY:9417393-9882301)x2

Genes: TTTY23 (testis expressed transcript, Y-linked 23; plus strand), TTTY7B (testis expressed transcript, Y-linked 7B; minus strand), TTTY8 (testis expressed transcript, Y-linked 8; plus strand), TTTY1 (testis expressed transcript, Y-linked 1; minus strand), TTTY2 (testis expressed transcript, Y-linked 2; plus strand) and 2 more. Cytogenetic location: Yp11.2.
Variant type: copy number gain.
Change: copy number 2 of chrY:9,417,393-9,882,301 (464.9 kb, GRCh37 coordinates, 1-based), cytogenetic band Yp11.2.
Identifiers: ClinVar variation 252981 (VCV000252981.3).

ClinVar aggregate classification (germline): Uncertain significance (1 of 4 stars; one submission).

Submission:

Clinical Genomics Laboratory, Laboratory for Precision Diagnostics, University of Washington
Classification: Uncertain significance. Last evaluated: 2016-06-14. Review status: criteria provided, single submitter. Criteria: Clinical Cytogenomics Laboratory Policy on CNV Interpretation. Collection method: clinical testing. Allele origin: unknown. Affected: yes. Observed: 1 variant allele.